The following is an entry in ClinVar:

NM_001130009.3(GEN1):c.1384G>C (p.Glu462Gln)

Gene: GEN1 (GEN1 Holliday junction 5' flap endonuclease; plus strand). Cytogenetic location: 2p24.2.
Variant type: single nucleotide variant.
Coding change: c.1384G>C on transcript NM_001130009.3 (MANE Select); coding-DNA position 1384, G replaced by C.
Protein change: p.Glu462Gln; replaces glutamic acid 462 with glutamine.
Molecular consequence: missense variant.
Genome position (GRCh38, 1-based): chr2:17,780,097, G>C. VCF-style: chr2-17780097-G-C. GRCh37 (hg19) VCF-style: chr2-17961364-G-C.
Other names: c.1384G>C, p.Glu462Gln (NM_182625.5); short protein forms E462Q.
Identifiers: ClinVar variation 3853631 (VCV003853631.1).

ClinVar aggregate classification (germline): Uncertain significance (1 of 4 stars; one submission).

Submission:

Ambry Genetics
Classification: Uncertain significance. Last evaluated: 2025-03-14. Review status: criteria provided, single submitter. Criteria: Ambry Variant Classification Scheme 2023. Collection method: clinical testing. Allele origin: germline.
Comment: The p.E462Q variant (also known as c.1384G>C), located in coding exon 12 of the GEN1 gene, results from a G to C substitution at nucleotide position 1384. The glutamic acid at codon 462 is replaced by glutamine, an amino acid with highly similar properties. This amino acid position is conserved. In addition, this alteration is predicted to be tolerated by in silico analysis. Based on the available evidence, the clinical significance of this variant remains unclear.